The following is an entry in ClinVar:

ClinVar aggregate classification (germline): Uncertain significance (1 of 4 stars; one submission).

Submission:

GeneDx
Classification: Uncertain significance. Last evaluated: 2021-06-14. Review status: criteria provided, single submitter. Criteria: GeneDx Variant Classification Process June 2021. Collection method: clinical testing. Allele origin: germline. Affected: yes.
Comment: Not observed at significant frequency in large population cohorts (Lek 2006).; In silico analysis supports that this missense variant does not alter protein structure/function; Has not been previously published as pathogenic or benign to our knowledge; This variant is associated with the following publications: (PMID: 27535533)

NM_181672.3(OGT):c.2836A>G (p.Met946Val)

Gene: OGT (O-linked N-acetylglucosamine (GlcNAc) transferase; plus strand). Cytogenetic location: Xq13.1.
Variant type: single nucleotide variant.
Coding change: c.2836A>G on transcript NM_181672.3 (MANE Select); coding-DNA position 2836, A replaced by G.
Protein change: p.Met946Val; replaces methionine 946 with valine.
Molecular consequence: missense variant.
Genome position (GRCh38, 1-based): chrX:71,567,746, A>G. VCF-style: chrX-71567746-A-G. GRCh37 (hg19) VCF-style: chrX-70787596-A-G.
Other names: c.2806A>G, p.Met936Val (NM_181673.3); short protein forms M936V, M946V.
Identifiers: ClinVar variation 1328731 (VCV001328731.2), dbSNP rs2147693595, ClinGen allele CA413571946.
Genomic context (GRCh38, chrX:71,567,746, plus strand): 5'-CTCTGTAATGGGCACACCACAGGGATGGATGTCCTCTGGGCAGGGACCCCCATGGTGACT[A>G]TGCCAGGTAAGTTGCTGATAAATCACTGGAATCTTCCTTGTTCCTTTGAAAATCTCCGTT-3'
Protein context (NP_858058.1, residues 936-956): VLWAGTPMVT[Met946Val]PGETLASRVA